The following is an entry in ClinVar:

ClinVar aggregate classification (germline): Likely benign (1 of 4 stars; one submission).

gnomAD v4.1: 107 of 1,604,142 alleles (0.0067%); highest among the groups gnomAD compares: East Asian, 0.013%; no homozygotes.

Submission:

CeGaT Center for Human Genetics Tuebingen
Classification: Likely benign. Last evaluated: 2025-05-01. Review status: criteria provided, single submitter. Criteria: CeGaT Center For Human Genetics Tuebingen Variant Classification Criteria Version 2. Collection method: clinical testing. Allele origin: germline. Affected: yes. Observed: 2 variant alleles.
Comment: TENM4: BP4, BP7

NM_001098816.3(TENM4):c.2313C>T (p.Arg771=)

Gene: TENM4 (teneurin transmembrane protein 4; minus strand). Cytogenetic location: 11q14.1.
Variant type: single nucleotide variant.
Coding change: c.2313C>T on transcript NM_001098816.3 (MANE Select); coding-DNA position 2313, C replaced by T.
Protein change: p.Arg771=; no amino-acid change (arginine 771 retained).
Molecular consequence: synonymous variant.
Genome position (GRCh38, 1-based): chr11:78,786,950, G>A on the plus strand (C>T on the coding strand, the complement: TENM4 is on the minus strand). VCF-style: chr11-78786950-G-A. GRCh37 (hg19) VCF-style: chr11-78497995-G-A.
Identifiers: ClinVar variation 3771430 (VCV003771430.13).